The following is an entry in ClinVar:

NM_000179.3(MSH6):c.1929T>C (p.Phe643=)

Gene: MSH6 (mutS homolog 6; plus strand). Cytogenetic location: 2p16.3.
Variant type: single nucleotide variant.
Coding change: c.1929T>C on transcript NM_000179.3 (MANE Select); coding-DNA position 1929, T replaced by C.
Protein change: p.Phe643=; no amino-acid change (phenylalanine 643 retained).
Molecular consequence: synonymous variant.
Genome position (GRCh38, 1-based): chr2:47,799,912, T>C. VCF-style: chr2-47799912-T-C. GRCh37 (hg19) VCF-style: chr2-48027051-T-C.
Other names: c.1539T>C, p.Phe513= (NM_001281492.2); c.1023T>C, p.Phe341= (NM_001281493.2, NM_001281494.2).
Identifiers: ClinVar variation 388358 (VCV000388358.2), dbSNP rs1057523080, ClinGen allele CA16604186.

ClinVar aggregate classification (germline): Benign/Likely benign. Review status: criteria provided, multiple submitters, no conflicts (2 of 4 stars). 2 submissions from 2 submitters: Benign (1); Likely benign (1). Last evaluated 2024-12-30.

Conditions:
Lynch syndrome 5 (LYNCH5). Also called: Colorectal cancer, hereditary nonpolyposis, type 5; Hereditary non-polyposis colorectal cancer, type 5. Identifiers: Orphanet 144, MedGen C1833477, MONDO:0013710, OMIM 614350. Disease mechanism: loss of function.

Allele frequency attached by ClinVar (database versions not stated): gnomAD 0.00001 and below 0.00001.
gnomAD v4.1: 1 of 1,614,054 alleles (0.000062%); highest among the groups gnomAD compares: South Asian, 0.0011%; no homozygotes.

Submissions (2):

Myriad Genetics, Inc.
Classification: Benign for Lynch syndrome 5. Last evaluated: 2024-12-30. Review status: criteria provided, single submitter. Criteria: Myriad Autosomal Dominant, Autosomal Recessive and X-Linked Classification Criteria (2023). Collection method: clinical testing. Allele origin: unknown.
Comment: This variant is considered benign. This variant is a silent/synonymous amino acid change and it is not expected to impact splicing.

GeneDx
Classification: Likely benign. Last evaluated: 2016-08-01. Review status: criteria provided, single submitter. Criteria: GeneDx Variant Classification (06012015). Collection method: clinical testing. Allele origin: germline. Affected: yes.
Comment: This variant is considered likely benign or benign based on one or more of the following criteria: it is a conservative change, it occurs at a poorly conserved position in the protein, it is predicted to be benign by multiple in silico algorithms, and/or has population frequency not consistent with disease.